The following is an entry in ClinVar:

ClinVar aggregate classification (germline): Uncertain significance (1 of 4 stars; one submission).

Conditions:
Glycogen storage disease type III (GSD3). Also called: FORBES DISEASE; Cori disease. Identifiers: Orphanet 366, MedGen C0017922, MONDO:0009291, OMIM 232400.

Allele frequency attached by ClinVar (database versions not stated): gnomAD exomes 0.00001 and 0.00002; ExAC 0.00003.
gnomAD v4.1: 11 of 1,613,478 alleles (0.00068%); highest among the groups gnomAD compares: Non-Finnish European, 0.00059%; no homozygotes.

Submission:

Labcorp Genetics (formerly Invitae), Labcorp
Classification: Uncertain significance for Glycogen storage disease type III. Last evaluated: 2021-09-01. Review status: criteria provided, single submitter. Criteria: Invitae Variant Classification Sherloc (09022015). Collection method: clinical testing. Allele origin: germline.
Comment: This sequence change replaces alanine with threonine at codon 982 of the AGL protein (p.Ala982Thr). The alanine residue is moderately conserved and there is a small physicochemical difference between alanine and threonine. This variant is present in population databases (rs781463740, ExAC 0.006%). This variant has not been reported in the literature in individuals affected with AGL-related conditions. Algorithms developed to predict the effect of missense changes on protein structure and function (SIFT, PolyPhen-2, Align-GVGD) all suggest that this variant is likely to be tolerated. In summary, the available evidence is currently insufficient to determine the role of this variant in disease. Therefore, it has been classified as a Variant of Uncertain Significance.

NM_000642.3(AGL):c.2944G>A (p.Ala982Thr)

Gene: AGL (amylo-alpha-1,6-glucosidase and 4-alpha-glucanotransferase; plus strand). Cytogenetic location: 1p21.2.
Variant type: single nucleotide variant.
Coding change: c.2944G>A on transcript NM_000642.3 (MANE Select); coding-DNA position 2944, G replaced by A.
Protein change: p.Ala982Thr; replaces alanine 982 with threonine.
Molecular consequence: missense variant.
Genome position (GRCh38, 1-based): chr1:99,891,351, G>A. VCF-style: chr1-99891351-G-A. GRCh37 (hg19) VCF-style: chr1-100356907-G-A.
Other names: c.2944G>A, p.Ala982Thr (NM_000028.3, NM_000643.3, NM_000644.3 and 1 more transcripts); c.2896G>A, p.Ala966Thr (NM_000646.3); c.2923G>A, p.Ala975Thr (NM_001425326.1); c.2743G>A, p.Ala915Thr (NM_001425327.1); c.2740G>A, p.Ala914Thr (NM_001425328.1); c.2605G>A, p.Ala869Thr (NM_001425329.1); c.2566G>A, p.Ala856Thr (NM_001425332.1); short protein forms A966T, A982T, A856T, A869T, A914T, A915T, A975T.
Identifiers: ClinVar variation 661389 (VCV000661389.6), dbSNP rs781463740, ClinGen allele CA966935.
Genomic context (GRCh38, chr1:99,891,351, plus strand): 5'-TCTGGAGATTGGATGATTGACTATGTCAGTAACCGGCTTATTTCACGATCAGGAACTATT[G>A]CTGAAGTAAGTAGAGCTATATTATCGTCCCAAAAAATCAAGGACATAATAATAAATATTA-3'
Protein context (NP_000633.2, residues 972-992): NRLISRSGTI[Ala982Thr]EVGKWLQAMF